The following is an entry in ClinVar:

NM_000219.6(KCNE1):c.297C>A (p.Val99=)

Gene: KCNE1 (potassium voltage-gated channel subfamily E regulatory subunit 1; minus strand). Cytogenetic location: 21q22.12.
Variant type: single nucleotide variant.
Coding change: c.297C>A on transcript NM_000219.6 (MANE Select); coding-DNA position 297, C replaced by A.
Protein change: p.Val99=; no amino-acid change (valine 99 retained).
Molecular consequence: synonymous variant.
Genome position (GRCh38, 1-based): chr21:34,449,338, G>T on the plus strand (C>A on the coding strand, the complement: KCNE1 is on the minus strand). VCF-style: chr21-34449338-G-T. GRCh37 (hg19) VCF-style: chr21-35821636-G-T.
Other names: c.297C>A, p.Val99= (NM_001127668.4, NM_001127669.4, NM_001127670.4 and 4 more transcripts).
Identifiers: ClinVar variation 3374564 (VCV003374564.2).

Conditions:
Long QT syndrome 5 (LQT5). Identifiers: Orphanet 101016, Orphanet 768, MedGen C1867904, MONDO:0013372, OMIM 613695.

Submission:

Roden Lab, Vanderbilt University Medical Center
No classification provided (evidence only). Condition: Long QT syndrome 5. Review status: no classification provided. Collection method: in vitro. Allele origin: not applicable. Functional consequence: Effect on ion channel function.
ClinVar note: "not provided" was previously submitted as the classification for the variant. However, the classification appeared to be based only on an observation of functional data so it was converted to no classification on 2025-07-30.